The following is an entry in ClinVar:

NM_001040167.2(LFNG):c.226G>A (p.Glu76Lys)

Gene: LFNG (LFNG O-fucosylpeptide 3-beta-N-acetylglucosaminyltransferase; plus strand). Cytogenetic location: 7p22.3.
Variant type: single nucleotide variant.
Coding change: c.226G>A on transcript NM_001040167.2 (MANE Select); coding-DNA position 226, G replaced by A.
Protein change: p.Glu76Lys; replaces glutamic acid 76 with lysine.
Molecular consequence: missense variant. On other transcripts: intron variant (2).
Genome position (GRCh38, 1-based): chr7:2,520,087, G>A. VCF-style: chr7-2520087-G-A. GRCh37 (hg19) VCF-style: chr7-2559721-G-A.
Other names: c.226G>A, p.Glu76Lys (NM_001040168.2); c.220-4608G>A (NM_001166355.2); c.45+1489G>A (NM_002304.3); short protein forms E76K.
Identifiers: ClinVar variation 3594490 (VCV003594490.3).

ClinVar aggregate classification (germline): Uncertain significance. Review status: criteria provided, multiple submitters, no conflicts (2 of 4 stars). 2 submissions from 2 submitters: Uncertain significance (2). Last evaluated 2024-07-20.

Conditions:
Spondylocostal dysostosis 3, autosomal recessive (SCDO3). Also called: LFNG-Related Spondylocostal Dysostosis, Autosomal Recessive. Identifiers: Orphanet 2311, MedGen C1853296, MONDO:0012349, OMIM 609813.

Submissions (2):

Labcorp Genetics (formerly Invitae), Labcorp
Classification: Uncertain significance for Spondylocostal dysostosis 3, autosomal recessive. Last evaluated: 2024-07-20. Review status: criteria provided, single submitter. Criteria: Invitae Variant Classification Sherloc (09022015). Collection method: clinical testing. Allele origin: germline.
Comment: This sequence change replaces glutamic acid, which is acidic and polar, with lysine, which is basic and polar, at codon 76 of the LFNG protein (p.Glu76Lys). This variant is not present in population databases (gnomAD no frequency). This variant has not been reported in the literature in individuals affected with LFNG-related conditions. An algorithm developed to predict the effect of missense changes on protein structure and function (PolyPhen-2) suggests that this variant is likely to be tolerated. In summary, the available evidence is currently insufficient to determine the role of this variant in disease. Therefore, it has been classified as a Variant of Uncertain Significance.

Fulgent Genetics
Classification: Uncertain significance for Spondylocostal dysostosis 3, autosomal recessive. Last evaluated: 2024-02-05. Review status: criteria provided, single submitter. Criteria: ACMG Guidelines, 2015. Collection method: clinical testing. Allele origin: germline.